The following is an entry in ClinVar:

ClinVar aggregate classification (germline): Uncertain significance. Review status: criteria provided, multiple submitters, no conflicts (2 of 4 stars). 2 submissions from 2 submitters: Uncertain significance (2). Last evaluated 2024-05-07.

Conditions:
Hyperkalemic periodic paralysis. Also called: Gamstorp disease; Familial hyperkalemic periodic paralysis. Identifiers: Orphanet 682, MedGen C0238357, MONDO:0008224, OMIM 170500, HP:0007215.
Congenital myopathy 22A, classic (CMYO22A). Identifiers: MedGen C5830453, MONDO:0957247, OMIM 620351.
Hypokalemic periodic paralysis, type 2 (HOKPP2). Identifiers: Orphanet 681, MedGen C2750061, MONDO:0013234, OMIM 613345.
Congenital myopathy 22B, severe fetal (CMYO22B). Identifiers: MedGen C5830501, MONDO:0957265, OMIM 620369.
Congenital myasthenic syndrome 16. Identifiers: Orphanet 590, MedGen C3280112, MONDO:0013620, OMIM 614198.
Potassium-aggravated myotonia. Also called: MYOTONIA CONGENITA, ACETAZOLAMIDE-RESPONSIVE; MYOTONIA CONGENITA, ATYPICAL; SODIUM CHANNEL MUSCLE DISEASE; Myotonia congenita, atypical, acetazolamide-responsive. Identifiers: Orphanet 612, Orphanet 99734, Orphanet 99735, Orphanet 99736, MedGen C2931826, MONDO:0018959, OMIM 608390.
Paramyotonia congenita of Von Eulenburg. Also called: Eulenburg disease; Myotonia congenita intermittens; Von Eulenburg paramyotonia congenita; Paramyotonia Congenita; PARALYSIS PERIODICA PARAMYOTONICA. Identifiers: Orphanet 684, MedGen C0221055, MONDO:0008195, OMIM 168300. Disease mechanism: loss of function.

gnomAD v4.1: 6 of 1,583,756 alleles (0.00038%); highest among the groups gnomAD compares: Admixed American, 0.009%; no homozygotes.

Submissions (2):

Fulgent Genetics
Classification: Uncertain significance for Paramyotonia congenita of Von Eulenburg; Hyperkalemic periodic paralysis; Potassium-aggravated myotonia; Hypokalemic periodic paralysis, type 2; Congenital myasthenic syndrome 16; Congenital myopathy 22A, classic; Congenital myopathy 22B, severe fetal. Last evaluated: 2024-05-07. Review status: criteria provided, single submitter. Criteria: ACMG Guidelines, 2015. Collection method: clinical testing. Allele origin: germline.

Labcorp Genetics (formerly Invitae), Labcorp
Classification: Uncertain significance for Hyperkalemic periodic paralysis. Last evaluated: 2023-08-20. Review status: criteria provided, single submitter. Criteria: Invitae Variant Classification Sherloc (09022015). Collection method: clinical testing. Allele origin: germline.
Comment: In summary, the available evidence is currently insufficient to determine the role of this variant in disease. Therefore, it has been classified as a Variant of Uncertain Significance. Advanced modeling of protein sequence and biophysical properties (such as structural, functional, and spatial information, amino acid conservation, physicochemical variation, residue mobility, and thermodynamic stability) has been performed at Invitae for this missense variant, however the output from this modeling did not meet the statistical confidence thresholds required to predict the impact of this variant on SCN4A protein function. This variant has not been reported in the literature in individuals affected with SCN4A-related conditions. The frequency data for this variant in the population databases is considered unreliable, as metrics indicate poor data quality at this position in the gnomAD database. This sequence change replaces arginine, which is basic and polar, with serine, which is neutral and polar, at codon 828 of the SCN4A protein (p.Arg828Ser).

NM_000334.4(SCN4A):c.2482C>A (p.Arg828Ser)

Genes: GH-LCR (growth hormone locus control region; plus strand), SCN4A (sodium voltage-gated channel alpha subunit 4; minus strand). Cytogenetic location: 17q23.3.
Variant type: single nucleotide variant.
Coding change: c.2482C>A on transcript NM_000334.4 (MANE Select); coding-DNA position 2482, C replaced by A.
Protein change: p.Arg828Ser; replaces arginine 828 with serine.
Molecular consequence: missense variant.
Genome position (GRCh38, 1-based): chr17:63,951,795, G>T on the plus strand (C>A on the coding strand, the complement: SCN4A is on the minus strand). VCF-style: chr17-63951795-G-T. GRCh37 (hg19) VCF-style: chr17-62029155-G-T.
Other names: short protein forms R828S.
Identifiers: ClinVar variation 2853091 (VCV002853091.4), dbSNP rs760147196, ClinGen allele CA400627004.